The following is an entry in ClinVar:

ClinVar aggregate classification (germline): Uncertain significance. Review status: criteria provided, multiple submitters, no conflicts (2 of 4 stars). 2 submissions from 2 submitters: Uncertain significance (2). Last evaluated 2023-09-10.

Allele frequency attached by ClinVar (database versions not stated): gnomAD exomes 0.00001; TOPMed 0.00002.
gnomAD v4.1: 17 of 1,592,052 alleles (0.0011%); highest among the groups gnomAD compares: Non-Finnish European, 0.0014%; no homozygotes.

Submissions (2):

Labcorp Genetics (formerly Invitae), Labcorp
Classification: Uncertain significance. Last evaluated: 2023-09-10. Review status: criteria provided, single submitter. Criteria: Invitae Variant Classification Sherloc (09022015). Collection method: clinical testing. Allele origin: germline.
Comment: This sequence change replaces glycine, which is neutral and non-polar, with serine, which is neutral and polar, at codon 985 of the COL18A1 protein (p.Gly985Ser). This variant is present in population databases (no rsID available, gnomAD 0.002%). This variant has not been reported in the literature in individuals affected with COL18A1-related conditions. Experimental studies and prediction algorithms are not available or were not evaluated, and the functional significance of this variant is currently unknown. In summary, the available evidence is currently insufficient to determine the role of this variant in disease. Therefore, it has been classified as a Variant of Uncertain Significance.

Blueprint Genetics
Classification: Uncertain significance. Last evaluated: 2022-06-27. Review status: criteria provided, single submitter. Criteria: ACMG Guidelines, 2015. Collection method: clinical testing. Allele origin: germline.

NM_001379500.1(COL18A1):c.2962G>A (p.Gly988Ser)

Genes: COL18A1 (collagen type XVIII alpha 1 chain; plus strand), SLC19A1 (solute carrier family 19 member 1; minus strand). Cytogenetic location: 21q22.3.
Variant type: single nucleotide variant.
Coding change: c.2962G>A on transcript NM_001379500.1 (MANE Select); coding-DNA position 2962, G replaced by A.
Protein change: p.Gly988Ser; replaces glycine 988 with serine.
Molecular consequence: missense variant.
Genome position (GRCh38, 1-based): chr21:45,505,227, G>A. VCF-style: chr21-45505227-G-A. GRCh37 (hg19) VCF-style: chr21-46925141-G-A.
Other names: c.3493G>A, p.Gly1165Ser (NM_030582.4); c.4198G>A, p.Gly1400Ser (NM_130444.3); short protein forms G1400S, G988S, G1165S.
Identifiers: ClinVar variation 2883915 (VCV002883915.2), dbSNP rs1195535468, ClinGen allele CA410499551.